The following is an entry in ClinVar:

ClinVar aggregate classification (germline): Conflicting classifications of pathogenicity. Review status: criteria provided, conflicting classifications (1 of 4 stars). 3 submissions from 3 submitters: Pathogenic (1); Uncertain significance (2). Last evaluated 2026-04-01.

Conditions:
Mendelian susceptibility to mycobacterial diseases due to complete IL12RB1 deficiency. Also called: IL12RB1 DEFICIENCY; Immunodeficiency 30. Identifiers: Orphanet 319552, MedGen C4013949, MONDO:0013955, OMIM 614891.

Submissions (3):

CeGaT Center for Human Genetics Tuebingen
Classification: Uncertain significance. Last evaluated: 2026-04-01. Review status: criteria provided, single submitter. Criteria: CeGaT Center For Human Genetics Tuebingen Variant Classification Criteria Version 2. Collection method: clinical testing. Allele origin: germline. Affected: yes. Observed: 1 variant allele.
Comment: IL12RB1: PM2, PM3:Supporting

Next Generation Genetic Polyclinic
Classification: Uncertain significance for Mendelian susceptibility to mycobacterial diseases due to complete IL12RB1 deficiency. Last evaluated: 2025-04-12. Review status: criteria provided, single submitter. Criteria: ACMG Guidelines, 2015. Collection method: curation. Allele origin: germline. Affected: yes. Observed: 1 variant allele.
Comment: A novel variant in the IL12RB1 gene (c.509T>A) was identified by curation in a homozygous state. The variant is absent from population databases, but the clinical significance is uncertain, classified as VUS due to lack of sufficient evidence.

Watson Genetic Lab
Classification: Pathogenic for Mendelian susceptibility to mycobacterial diseases due to complete IL12RB1 deficiency. Review status: criteria provided, single submitter. Criteria: ACMG Guidelines, 2015. Collection method: clinical testing. Allele origin: germline. Inheritance: Autosomal recessive inheritance. Affected: yes. Observed: 1 homozygote.

NM_005535.3(IL12RB1):c.509T>A (p.Val170Glu)

Gene: IL12RB1 (interleukin 12 receptor subunit beta 1; minus strand). Cytogenetic location: 19p13.11.
Variant type: single nucleotide variant.
Coding change: c.509T>A on transcript NM_005535.3 (MANE Select); coding-DNA position 509, T replaced by A.
Protein change: p.Val170Glu; replaces valine 170 with glutamic acid.
Molecular consequence: missense variant.
Genome position (GRCh38, 1-based): chr19:18,077,556, A>T on the plus strand (T>A on the coding strand, the complement: IL12RB1 is on the minus strand). VCF-style: chr19-18077556-A-T. GRCh37 (hg19) VCF-style: chr19-18188366-A-T.
Other names: p.V170E; c.509T>A, p.Val170Glu (NM_001290023.2, NM_153701.3); c.629T>A, p.Val210Glu (NM_001290024.2); short protein forms V170E, V210E.
Identifiers: ClinVar variation 3250478 (VCV003250478.4), dbSNP rs777743197.